The following is an entry in ClinVar:

NM_002454.3(MTRR):c.1156C>T (p.Arg386Ter)

Gene: MTRR (5-methyltetrahydrofolate-homocysteine methyltransferase reductase; plus strand). Cytogenetic location: 5p15.31.
Variant type: single nucleotide variant.
Coding change: c.1156C>T on transcript NM_002454.3 (MANE Select); coding-DNA position 1156, C replaced by T.
Protein change: p.Arg386Ter; replaces arginine 386 with a stop codon.
Molecular consequence: nonsense. On other transcripts: non-coding transcript variant (14).
Genome position (GRCh38, 1-based): chr5:7,889,104, C>T. VCF-style: chr5-7889104-C-T. GRCh37 (hg19) VCF-style: chr5-7889217-C-T.
Other names: c.1156C>T (NM_002454.2); c.1156C>T, p.Arg386Ter (NM_001364440.2, NM_001364441.2, NM_001364442.2 and 1 more transcripts); short protein forms R386*.
Identifiers: ClinVar variation 1068647 (VCV001068647.9), dbSNP rs1421007019, ClinGen allele CA359158303.
Genomic context (GRCh38, chr5:7,889,104, plus strand): 5'-TAGCTCTACCCACAAATTGTGTCACAATTTAAGGCGGGCTCCTTTTTGTAGGCATTTTTG[C>T]GAGCCCTTGTGGACTATACCAGTGACAGTGCTGAAAAGCGCAGGCTACAGGAGCTGTGCA-3'

ClinVar aggregate classification (germline): Pathogenic/Likely pathogenic. Review status: criteria provided, multiple submitters, no conflicts (2 of 4 stars). 3 submissions from 3 submitters: Pathogenic (2); Likely pathogenic (1). Last evaluated 2025-10-27.

Conditions:
Neural tube defects, folate-sensitive (NTDFS). Also called: NTD, FOLATE-SENSITIVE. Identifiers: Orphanet 823, MedGen C1866558, MONDO:0011120, OMIM 601634.
Methylcobalamin deficiency type cblE (HMAE). Also called: HOMOCYSTINURIA-MEGALOBLASTIC ANEMIA, cblE TYPE; VITAMIN B12-RESPONSIVE HOMOCYSTINURIA, cblE TYPE; HOMOCYSTINURIA-MEGALOBLASTIC ANEMIA, cblE COMPLEMENTATION TYPE. Identifiers: Orphanet 2169, Orphanet 622, MedGen C1856057, MONDO:0009354, OMIM 236270.

Allele frequency attached by ClinVar (database versions not stated): TOPMed below 0.00001; gnomAD 0.00001; gnomAD exomes 0.00001.
gnomAD v4.1: 10 of 1,613,952 alleles (0.00062%); highest among the groups gnomAD compares: Non-Finnish European, 0.00085%; no homozygotes.

Submissions (3):

Natera, Inc.
Classification: Likely pathogenic for CblE complementation type homocystinuria-megaloblastic anemia due to defect in cobalamin metabolism. Last evaluated: 2025-10-27. Review status: criteria provided, single submitter. Criteria: Natera Variant Classification Schema (03/2026). Collection method: clinical testing. Allele origin: germline.
Comment: The c.1156C>T variant in MTRR is a nonsense variant predicted to introduce a stop codon at amino acid 386. This variant is expected to result in nonsense mediated decay, truncation, or a dysfunctional protein product. This variant is rare in the general population with a frequency below the threshold expected for the associated phenotype(s). Given the available evidence, this variant is classified as Likely Pathogenic.

Fulgent Genetics
Classification: Pathogenic for Methylcobalamin deficiency type cblE; Neural tube defects, folate-sensitive. Last evaluated: 2024-05-24. Review status: criteria provided, single submitter. Criteria: ACMG Guidelines, 2015. Collection method: clinical testing. Allele origin: germline.

Labcorp Genetics (formerly Invitae), Labcorp
Classification: Pathogenic for Methylcobalamin deficiency type cblE. Last evaluated: 2023-12-25. Review status: criteria provided, single submitter. Criteria: Invitae Variant Classification Sherloc (09022015). Collection method: clinical testing. Allele origin: germline.
Comment: This sequence change creates a premature translational stop signal (p.Arg386*) in the MTRR gene. It is expected to result in an absent or disrupted protein product. Loss-of-function variants in MTRR are known to be pathogenic (PMID: 15714522). This variant is present in population databases (no rsID available, gnomAD 0.003%). This variant has not been reported in the literature in individuals affected with MTRR-related conditions. ClinVar contains an entry for this variant (Variation ID: 1068647). For these reasons, this variant has been classified as Pathogenic.

Literature cited by the submitters: PubMed 15714522 (cited by Labcorp Genetics (formerly Invitae), Labcorp).